The following is an entry in ClinVar:

ClinVar aggregate classification (germline): Uncertain significance. Review status: criteria provided, multiple submitters, no conflicts (2 of 4 stars). 2 submissions from 2 submitters: Uncertain significance (2). Last evaluated 2020-04-22.

Conditions:
Adams-Oliver syndrome 2 (AOS2). Identifiers: Orphanet 974, MedGen C3280182, MONDO:0013635, OMIM 614219.

Allele frequency attached by ClinVar (database versions not stated): gnomAD exomes 0.00001 and below 0.00001; TOPMed 0.00001; gnomAD 0.00001; ExAC 0.00001.
gnomAD v4.1: 10 of 1,612,538 alleles (0.00062%); highest among the groups gnomAD compares: Admixed American, 0.0017%; no homozygotes.

Submissions (2):

Baylor Genetics
Classification: Uncertain significance for Adams-Oliver syndrome 2. Last evaluated: 2020-04-22. Review status: criteria provided, single submitter. Criteria: ACMG Guidelines, 2015. Collection method: clinical testing. Allele origin: unknown. Affected: yes.
Comment: This variant was determined to be of uncertain significance according to ACMG Guidelines, 2015 [PMID:25741868].

Daryl Scott Lab, Baylor College of Medicine
Classification: Uncertain significance for Adams-Oliver syndrome 2. Review status: criteria provided, single submitter. Criteria: ACMG Guidelines, 2015. Collection method: clinical testing. Allele origin: paternal. Affected: yes. Observed: 1 compound heterozygote.
Comment: PM2

NM_020812.4(DOCK6):c.281C>T (p.Thr94Ile)

Gene: DOCK6 (dedicator of cytokinesis 6; minus strand). Cytogenetic location: 19p13.2.
Variant type: single nucleotide variant.
Coding change: c.281C>T on transcript NM_020812.4 (MANE Select); coding-DNA position 281, C replaced by T.
Protein change: p.Thr94Ile; replaces threonine 94 with isoleucine.
Molecular consequence: missense variant.
Genome position (GRCh38, 1-based): chr19:11,252,810, G>A on the plus strand (C>T on the coding strand, the complement: DOCK6 is on the minus strand). VCF-style: chr19-11252810-G-A. GRCh37 (hg19) VCF-style: chr19-11363486-G-A.
Other names: c.281C>T, p.Thr94Ile (NM_001367830.1); short protein forms T94I.
Identifiers: ClinVar variation 1028690 (VCV001028690.2), dbSNP rs747666106, ClinGen allele CA9208574.